The following is an entry in ClinVar:

NM_017654.4(SAMD9):c.583C>T (p.His195Tyr)

Gene: SAMD9 (sterile alpha motif domain containing 9; minus strand). Cytogenetic location: 7q21.2.
Variant type: single nucleotide variant.
Coding change: c.583C>T on transcript NM_017654.4 (MANE Select); coding-DNA position 583, C replaced by T.
Protein change: p.His195Tyr; replaces histidine 195 with tyrosine.
Molecular consequence: missense variant.
Genome position (GRCh38, 1-based): chr7:93,105,515, G>A on the plus strand (C>T on the coding strand, the complement: SAMD9 is on the minus strand). VCF-style: chr7-93105515-G-A. GRCh37 (hg19) VCF-style: chr7-92734828-G-A.
Other names: c.583C>T, p.His195Tyr (NM_001193307.2); short protein forms H195Y.
Identifiers: ClinVar variation 3437093 (VCV003437093.1).

ClinVar aggregate classification (germline): Uncertain significance (1 of 4 stars; one submission).

Conditions:
Inborn genetic diseases. Identifiers: MedGen C0950123, MeSH D030342.

Submission:

Ambry Genetics
Classification: Uncertain significance for Inborn genetic diseases. Last evaluated: 2024-12-07. Review status: criteria provided, single submitter. Criteria: Ambry Variant Classification Scheme 2023. Collection method: clinical testing. Allele origin: germline.
Comment: The p.H195Y variant (also known as c.583C>T), located in coding exon 1 of the SAMD9 gene, results from a C to T substitution at nucleotide position 583. The histidine at codon 195 is replaced by tyrosine, an amino acid with similar properties. This amino acid position is conserved. In addition, the in silico prediction for this alteration is inconclusive. Based on the available evidence, the clinical significance of this variant remains unclear.